The following is an entry in ClinVar:

NM_000488.4(SERPINC1):c.373G>T (p.Gly125Cys)

Gene: SERPINC1 (serpin family C member 1; minus strand). Cytogenetic location: 1q25.1.
Variant type: single nucleotide variant.
Coding change: c.373G>T on transcript NM_000488.4 (MANE Select); coding-DNA position 373, G replaced by T.
Protein change: p.Gly125Cys; replaces glycine 125 with cysteine.
Molecular consequence: missense variant.
Genome position (GRCh38, 1-based): chr1:173,914,588, C>A on the plus strand (G>T on the coding strand, the complement: SERPINC1 is on the minus strand). VCF-style: chr1-173914588-C-A. GRCh37 (hg19) VCF-style: chr1-173883726-C-A.
Other names: p.Gly125Cys; c.229G>T, p.Gly77Cys (NM_001365052.2); c.373G>T, p.Gly125Cys (NM_001386306.1, NM_001386302.1, NM_001386304.1 and 1 more transcripts); c.454G>T, p.Gly152Cys (NM_001386303.1); short protein forms G125C, G152C, G77C.
Identifiers: ClinVar variation 1705949 (VCV001705949.4), dbSNP rs2526594015, ClinGen allele CA343777312.

ClinVar aggregate classification (germline): Likely pathogenic (1 of 4 stars; one submission).

Submission:

Mayo Clinic Laboratories, Mayo Clinic
Classification: Likely pathogenic. Last evaluated: 2021-08-13. Review status: criteria provided, single submitter. Criteria: ACMG Guidelines, 2015. Collection method: clinical testing. Allele origin: germline.
Comment: PP3, PM1, PM2, PS4_Moderate

Literature cited by the submitters: PubMed 28607330.